The following is an entry in ClinVar:

ClinVar aggregate classification (germline): Uncertain significance (1 of 4 stars; one submission).

Conditions:
Familial cancer of breast. Also called: Hereditary breast cancer; hereditary breast carcinoma; BREAST CANCER, FAMILIAL. Identifiers: Orphanet 227535, MedGen C0346153, MONDO:0016419, OMIM 114480. Disease mechanism: loss of function.

Submission:

Labcorp Genetics (formerly Invitae), Labcorp
Classification: Uncertain significance for Familial cancer of breast. Last evaluated: 2025-08-25. Review status: criteria provided, single submitter. Criteria: Invitae Variant Classification Sherloc (09022015). Collection method: clinical testing. Allele origin: germline.
Comment: This sequence change replaces glutamic acid, which is acidic and polar, with aspartic acid, which is acidic and polar, at codon 648 of the BARD1 protein (p.Glu648Asp). This variant is not present in population databases (gnomAD no frequency). This variant has not been reported in the literature in individuals affected with BARD1-related conditions. An algorithm developed to predict the effect of missense changes on protein structure and function (PolyPhen-2) suggests that this variant is likely to be disruptive. In summary, the available evidence is currently insufficient to determine the role of this variant in disease. Therefore, it has been classified as a Variant of Uncertain Significance.

NM_000465.4(BARD1):c.1944A>T (p.Glu648Asp)

Gene: BARD1 (BRCA1 associated RING domain 1; minus strand). Cytogenetic location: 2q35.
Variant type: single nucleotide variant.
Coding change: c.1944A>T on transcript NM_000465.4 (MANE Select); coding-DNA position 1944, A replaced by T.
Protein change: p.Glu648Asp; replaces glutamic acid 648 with aspartic acid.
Molecular consequence: missense variant. On other transcripts: non-coding transcript variant (3).
Genome position (GRCh38, 1-based): chr2:214,730,468, T>A on the plus strand (A>T on the coding strand, the complement: BARD1 is on the minus strand). VCF-style: chr2-214730468-T-A. GRCh37 (hg19) VCF-style: chr2-215595192-T-A.
Other names: c.1887A>T, p.Glu629Asp (NM_001282543.2); c.591A>T, p.Glu197Asp (NM_001282545.2); c.534A>T, p.Glu178Asp (NM_001282548.2); c.405A>T, p.Glu135Asp (NM_001282549.2); short protein forms E648D, E135D, E178D, E197D, E629D.
Identifiers: ClinVar variation 4725986 (VCV004725986.1).